The following is an entry in ClinVar:

NM_004369.4(COL6A3):c.9345G>A (p.Pro3115=)

Gene: COL6A3 (collagen type VI alpha 3 chain; minus strand). Cytogenetic location: 2q37.3.
Variant type: single nucleotide variant.
Coding change: c.9345G>A on transcript NM_004369.4 (MANE Select); coding-DNA position 9345, G replaced by A.
Protein change: p.Pro3115=; no amino-acid change (proline 3115 retained).
Molecular consequence: synonymous variant.
Genome position (GRCh38, 1-based): chr2:237,325,708, C>T on the plus strand (G>A on the coding strand, the complement: COL6A3 is on the minus strand). VCF-style: chr2-237325708-C-T. GRCh37 (hg19) VCF-style: chr2-238234351-C-T.
Other names: c.7524G>A, p.Pro2508= (NM_057166.5); c.8727G>A, p.Pro2909= (NM_057167.4).
Identifiers: ClinVar variation 498908 (VCV000498908.42), dbSNP rs748814297, ClinGen allele CA2187286.

ClinVar aggregate classification (germline): Conflicting classifications of pathogenicity. Review status: criteria provided, conflicting classifications (1 of 4 stars). 5 submissions from 5 submitters: Uncertain significance (1); Likely benign (4). Last evaluated 2025-07-24.

Conditions:
COL6A3-related disorder. Also called: COL6A3-related disorders; COL6A3-related condition.
Bethlem myopathy 1A. Also called: MYOPATHY, BENIGN CONGENITAL, WITH CONTRACTURES; Bethlem Muscular Dystrophy; Bethlem myopathy 1. Identifiers: Orphanet 610, MedGen CN029274, MONDO:0024530, OMIM 158810.

Allele frequency attached by ClinVar (database versions not stated): gnomAD exomes 0.00002 and 0.00004; TOPMed 0.00002; ExAC 0.00005.
gnomAD v4.1: 31 of 1,613,774 alleles (0.0019%); highest among the groups gnomAD compares: Middle Eastern, 0.016%; no homozygotes.

Submissions (5):

PreventionGenetics, part of Exact Sciences
Classification: Likely benign for COL6A3-related condition. Last evaluated: 2025-07-24. Review status: criteria provided, single submitter. Criteria: ACMG Guidelines, 2015. Collection method: clinical testing. Allele origin: germline.
Comment: This variant is classified as likely benign based on ACMG/AMP sequence variant interpretation guidelines (Richards et al. 2015 PMID: 25741868, with internal and published modifications).

Labcorp Genetics (formerly Invitae), Labcorp
Classification: Likely benign for Bethlem myopathy 1A. Last evaluated: 2025-06-17. Review status: criteria provided, single submitter. Criteria: Invitae Variant Classification Sherloc (09022015). Collection method: clinical testing. Allele origin: germline.

Blueprint Genetics
Classification: Likely benign. Last evaluated: 2024-09-04. Review status: criteria provided, single submitter. Criteria: ACMG Guidelines, 2015. Collection method: clinical testing. Allele origin: germline.

CeGaT Center for Human Genetics Tuebingen
Classification: Likely benign. Last evaluated: 2022-05-01. Review status: criteria provided, single submitter. Criteria: CeGaT Center For Human Genetics Tuebingen Variant Classification Criteria Version 2. Collection method: clinical testing. Allele origin: germline. Affected: yes. Observed: 1 variant allele.
Comment: COL6A3: BP4, BP7

Eurofins Ntd Llc (ga)
Classification: Uncertain significance. Last evaluated: 2016-12-27. Review status: criteria provided, single submitter. Criteria: EGL Classification Definitions 2015. Collection method: clinical testing. Allele origin: germline. Observed: 1 variant allele, 1 heterozygote.